The following is an entry in ClinVar:

NM_000169.3(GLA):c.801+1G>A

Genes: GLA (galactosidase alpha; minus strand), RPL36A-HNRNPH2 (RPL36A-HNRNPH2 readthrough; plus strand). Cytogenetic location: Xq22.1.
Variant type: single nucleotide variant.
Coding change: c.801+1G>A on transcript NM_000169.3 (MANE Select); the canonical splice donor site of the intron after coding-DNA position 801, G replaced by A.
Molecular consequence: splice donor variant. On other transcripts: intron variant (2).
Genome position (GRCh38, 1-based): chrX:101,398,784, C>T on the plus strand (G>A on the coding strand, the complement: GLA is on the minus strand). VCF-style: chrX-101398784-C-T. GRCh37 (hg19) VCF-style: chrX-100653772-C-T.
Other names: c.300+3327C>T (NM_001199973.2); c.177+6962C>T (NM_001199974.2); c.924+1G>A (NM_001406747.1); c.801+1G>A (NM_001406748.1).
Identifiers: ClinVar variation 4087221 (VCV004087221.2), dbSNP rs868923658.

ClinVar aggregate classification (germline): Pathogenic (1 of 4 stars; one submission).

Conditions:
Fabry disease. Also called: ALPHA-GALACTOSIDASE A DEFICIENCY; ANDERSON-FABRY DISEASE; CERAMIDE TRIHEXOSIDASE DEFICIENCY; GLA DEFICIENCY; HEREDITARY DYSTOPIC LIPIDOSIS; Angiokeratoma corporis diffusum. Identifiers: Orphanet 324, MedGen C0002986, MONDO:0010526, OMIM 301500, HP:0001071. Disease mechanism: Fabry disease is due to inactivating mutations in the X-linked GLA gene resulting in deficiency of the enzyme Alpha Galactosidase-A., loss of function.

Submission:

Genomenon, Inc
Classification: Pathogenic for Fabry disease. Last evaluated: 2026-09-08. Review status: criteria provided, single submitter. Criteria: Genomenon Sequence Variant Interpretation Standards - Updated. Collection method: curation. Allele origin: germline. Affected: yes.
Comment: GLA c.801+1G>A is a canonical splice variant affecting the donor splice site of intron 5. It is predicted to affect mRNA splicing, leading to a deleterious effect on the GLA protein. This variant has been observed in at least one proband with clinical features consistent with Fabry disease (PMID:32843101;30853972;35743707). Functional or patient cell studies have been reported (PMID:38474401;32843101). At least one splicing study has demonstrated that this variant results in aberrant splicing (PMID:30853972). It is absent or not present at a significant frequency in gnomAD. In conclusion, we classify GLA c.801+1G>A as a pathogenic variant.

Literature cited by the submitters: PubMed 32843101; PubMed 30853972; PubMed 35743707; PubMed 38474401.